The following is an entry in ClinVar:

NM_015259.6(ICOSLG):c.388G>A (p.Val130Ile)

Gene: ICOSLG (inducible T cell costimulator ligand; minus strand). Cytogenetic location: 21q22.3.
Variant type: single nucleotide variant.
Coding change: c.388G>A on transcript NM_015259.6 (MANE Select); coding-DNA position 388, G replaced by A.
Protein change: p.Val130Ile; replaces valine 130 with isoleucine.
Molecular consequence: missense variant. On other transcripts: intron variant (1).
Genome position (GRCh38, 1-based): chr21:44,236,885, C>T on the plus strand (G>A on the coding strand, the complement: ICOSLG is on the minus strand). VCF-style: chr21-44236885-C-T. GRCh37 (hg19) VCF-style: chr21-45656768-C-T.
Other names: c.388G>A, p.Val130Ile (NM_001283050.2, NM_001395918.1); c.133G>A, p.Val45Ile (NM_001283052.2); c.307G>A, p.Val103Ile (NM_001365759.2); c.56-1323G>A (NM_001283051.2); short protein forms V103I, V130I, V45I.
Identifiers: ClinVar variation 4762764 (VCV004762764.1).
Genomic context (GRCh38, chr21:44,236,885, plus strand): 5'-AGGCTGGGATGGACCTAGCTCTCCCCGCCTCGATGGTCCTACCTGCCACATGCAGTGTAA[C>T]CTCAACGCTCAAAACCTCCTGGAATCCCAGGGATTGGCTCAACACCAGGCAGTGAAACTT-3'
Protein context (NP_056074.1, residues 120-140): LGFQEVLSVE[Val130Ile]TLHVAANFSV

ClinVar aggregate classification (germline): Uncertain significance (1 of 4 stars; one submission).

Submission:

Labcorp Genetics (formerly Invitae), Labcorp
Classification: Uncertain significance. Last evaluated: 2025-03-05. Review status: criteria provided, single submitter. Criteria: Invitae Variant Classification Sherloc (09022015). Collection method: clinical testing. Allele origin: germline.
Comment: This sequence change replaces valine, which is neutral and non-polar, with isoleucine, which is neutral and non-polar, at codon 130 of the ICOSLG protein (p.Val130Ile). This variant is not present in population databases (gnomAD no frequency). This variant has not been reported in the literature in individuals affected with ICOSLG-related conditions. An algorithm developed to predict the effect of missense changes on protein structure and function outputs the following: PolyPhen-2: "Possibly Damaging". The isoleucine amino acid residue is found in multiple mammalian species, which suggests that this missense change does not adversely affect protein function. In summary, the available evidence is currently insufficient to determine the role of this variant in disease. Therefore, it has been classified as a Variant of Uncertain Significance.